The following is an entry in ClinVar:

NM_001364905.1(LRBA):c.7364C>G (p.Ala2455Gly)

Gene: LRBA (LPS responsive beige-like anchor protein; minus strand). Cytogenetic location: 4q31.3.
Variant type: single nucleotide variant.
Coding change: c.7364C>G on transcript NM_001364905.1 (MANE Select); coding-DNA position 7364, C replaced by G.
Protein change: p.Ala2455Gly; replaces alanine 2455 with glycine.
Molecular consequence: missense variant.
Genome position (GRCh38, 1-based): chr4:150,325,897, G>C on the plus strand (C>G on the coding strand, the complement: LRBA is on the minus strand). VCF-style: chr4-150325897-G-C. GRCh37 (hg19) VCF-style: chr4-151247049-G-C.
Other names: c.7364C>G, p.Ala2455Gly (NM_001199282.3, NM_001367550.1); c.7397C>G, p.Ala2466Gly (NM_006726.5); short protein forms A2466G, A2455G.
Identifiers: ClinVar variation 540400 (VCV000540400.8), dbSNP rs542791563, ClinGen allele CA3101661.

ClinVar aggregate classification (germline): Uncertain significance. Review status: criteria provided, multiple submitters, no conflicts (2 of 4 stars). 2 submissions from 2 submitters: Uncertain significance (2). Last evaluated 2024-03-11.

Conditions:
Combined immunodeficiency due to LRBA deficiency. Also called: Common variable immunodeficiency 8, with autoimmunity. Identifiers: Orphanet 445018, MedGen C3553512, MONDO:0013863, OMIM 614700.

Allele frequency attached by ClinVar (database versions not stated): TOPMed 0.00001; gnomAD 0.00005 and below 0.00001; ExAC 0.00019; 1000 Genomes Project 30x 0.00062; 1000 Genomes Project 0.00080.
gnomAD v4.1: 125 of 1,596,752 alleles (0.0078%); highest among the groups gnomAD compares: South Asian, 0.13%; no homozygotes.

Submissions (2):

Labcorp Genetics (formerly Invitae), Labcorp
Classification: Uncertain significance for Combined immunodeficiency due to LRBA deficiency. Last evaluated: 2024-03-11. Review status: criteria provided, single submitter. Criteria: Invitae Variant Classification Sherloc (09022015). Collection method: clinical testing. Allele origin: germline.
Comment: This sequence change replaces alanine, which is neutral and non-polar, with glycine, which is neutral and non-polar, at codon 2466 of the LRBA protein (p.Ala2466Gly). This variant is present in population databases (rs542791563, gnomAD 0.2%). This variant has not been reported in the literature in individuals affected with LRBA-related conditions. ClinVar contains an entry for this variant (Variation ID: 540400). Algorithms developed to predict the effect of missense changes on protein structure and function output the following: SIFT: "Not Available"; PolyPhen-2: "Benign"; Align-GVGD: "Not Available". The glycine amino acid residue is found in multiple mammalian species, which suggests that this missense change does not adversely affect protein function. In summary, the available evidence is currently insufficient to determine the role of this variant in disease. Therefore, it has been classified as a Variant of Uncertain Significance.

Neuberg Centre For Genomic Medicine, NCGM
Classification: Uncertain significance for Combined immunodeficiency due to LRBA deficiency. Review status: criteria provided, single submitter. Criteria: ACMG Guidelines, 2015. Collection method: clinical testing. Allele origin: germline. Inheritance: Autosomal recessive inheritance. Affected: yes.
Comment: The missense c.7364C>G(p.Ala2455Gly) variant in LRBA gene has not been reported previously as a pathogenic variant nor as a benign variant, to our knowledge. The variant is reported with an allele frequency of 0.02% in the gnomAD exomes database and is novel (not in any individuals) in 1000 Genomes database. This variant has been reported to the ClinVar database as Uncertain significance. The amino acid change p.Ala2455Gly in LRBA is predicted as conserved by GERP++ and PhyloP across 100 vertebrates. The amino acid Ala at position 2455 is changed to a Gly changing protein sequence and it might alter its composition and physico-chemical properties. For these reasons, this variant has been classified as Variant of Uncertain Significance (VUS).